The following is an entry in ClinVar:

ClinVar aggregate classification (germline): Benign/Likely benign. Review status: criteria provided, multiple submitters, no conflicts (2 of 4 stars). 4 submissions from 4 submitters: Benign (2); Likely benign (1). 1 of the submissions does not count toward it. Last evaluated 2026-02-02.

Conditions:
ERBIN-related disorder. Also called: ERBIN-related condition.

Allele frequency attached by ClinVar (database versions not stated): gnomAD exomes 0.00018 and 0.00056; gnomAD 0.00024 and 0.00027; TOPMed 0.00036; ExAC 0.00052; 1000 Genomes Project 30x 0.00094; 1000 Genomes Project 0.00100.

Submissions (4):

Labcorp Genetics (formerly Invitae), Labcorp
Classification: Benign. Last evaluated: 2026-02-02. Review status: criteria provided, single submitter. Criteria: Invitae Variant Classification Sherloc (09022015). Collection method: clinical testing. Allele origin: germline.

Blueprint Genetics
Classification: Likely benign. Last evaluated: 2023-10-12. Review status: criteria provided, single submitter. Criteria: ACMG Guidelines, 2015. Collection method: clinical testing. Allele origin: germline.

Breakthrough Genomics
Classification: Benign. Review status: criteria provided, single submitter. Criteria: ACMG Guidelines, 2015. Collection method: not provided. Allele origin: germline. Inheritance: Unknown mechanism. Affected: yes.

PreventionGenetics, part of Exact Sciences
Classification: Likely benign for ERBIN-related condition. Last evaluated: 2019-04-25. Review status: no assertion criteria provided. Collection method: clinical testing. Allele origin: germline. Not counted in ClinVar's aggregate classification.
Comment: This variant is classified as likely benign based on ACMG/AMP sequence variant interpretation guidelines (Richards et al. 2015 PMID: 25741868, with internal and published modifications).

NM_001253697.2(ERBIN):c.4102T>C (p.Leu1368=)

Gene: ERBIN (erbb2 interacting protein; plus strand). Cytogenetic location: 5q12.3.
Variant type: single nucleotide variant.
Coding change: c.4102T>C on transcript NM_001253697.2 (MANE Select); coding-DNA position 4102, T replaced by C.
Protein change: p.Leu1368=; no amino-acid change (leucine 1368 retained).
Molecular consequence: synonymous variant. On other transcripts: intron variant (1).
Genome position (GRCh38, 1-based): chr5:66,076,920, T>C. VCF-style: chr5-66076920-T-C. GRCh37 (hg19) VCF-style: chr5-65372748-T-C.
Other names: c.3772T>C, p.Leu1258= (NM_001006600.3); c.4123T>C, p.Leu1375= (NM_001253699.2); c.3967T>C, p.Leu1323= (NM_001253701.2); c.3979T>C, p.Leu1327= (NM_018695.4); c.3933+512T>C (NM_001253698.2); c.3772T>C (NM_001006600.2).
Identifiers: ClinVar variation 1170811 (VCV001170811.13), dbSNP rs182337623, ClinGen allele CA3286806.